The following is an entry in ClinVar:

NM_018100.4(EFHC1):c.826C>G (p.Arg276Gly)

Gene: EFHC1 (EF-hand domain containing 1; plus strand). Cytogenetic location: 6p12.2.
Variant type: single nucleotide variant.
Coding change: c.826C>G on transcript NM_018100.4 (MANE Select); coding-DNA position 826, C replaced by G.
Protein change: p.Arg276Gly; replaces arginine 276 with glycine.
Molecular consequence: missense variant. On other transcripts: non-coding transcript variant (1).
Genome position (GRCh38, 1-based): chr6:52,454,197, C>G. VCF-style: chr6-52454197-C-G. GRCh37 (hg19) VCF-style: chr6-52318995-C-G.
Other names: p.R276G:CGA>GGA; c.769C>G, p.Arg257Gly (NM_001172420.2); short protein forms R276G, R257G.
Identifiers: ClinVar variation 205392 (VCV000205392.2), dbSNP rs796052414, ClinGen allele CA314420.

ClinVar aggregate classification (germline): Uncertain significance (1 of 4 stars; one submission).

Submission:

GeneDx
Classification: Uncertain significance. Last evaluated: 2014-01-27. Review status: criteria provided, single submitter. Criteria: GeneDx Variant Classification (06012015). Collection method: clinical testing. Allele origin: germline. Affected: yes.
Comment: p.Arg276Gly (CGA>GGA): c.826 C>G in exon 5 of the EFHC1 gene (NM_018100.3). The Arg276Gly missense change has not been published as a mutation, nor has it been reported as a benign polymorphism to our knowledge. It was not observed in approximately 6,500 individuals of European and African American ancestry in the NHLBI Exome Sequencing Project, indicating it is not a common benign variant in these populations. This variant is a non-conservative amino acid substitution of a positively charged Arginine residue with a uncharged, non-polar Glycine residue. It alters a position in the DM10 domain of the protein that is conserved across species, and in silico analysis predicts this variant is probably damaging to the protein structure/function. However, there have been no reported mutations in this region of the EFHC1 protein. Based on the currently available information, it is unclear whether Arg276Gly is a disease-causing mutation or a rare benign variant. The variant is found in EPILEPSY panel(s).